The following is an entry in ClinVar:

ClinVar aggregate classification (germline): Conflicting classifications of pathogenicity. Review status: criteria provided, conflicting classifications (1 of 4 stars). 4 submissions from 4 submitters: Uncertain significance (3); Benign (1). Last evaluated 2025-08-28.

Conditions:
Adams-Oliver syndrome 5 (AOS5). Identifiers: Orphanet 974, MedGen C4014970, MONDO:0014459, OMIM 616028.
Familial thoracic aortic aneurysm and aortic dissection (TAAD). Also called: Thoracic aortic aneurysms and dissections. Identifiers: Orphanet 91387, MedGen C4707243, MONDO:0019625.

Allele frequency attached by ClinVar (database versions not stated): gnomAD 0.00001; gnomAD exomes 0.00001 and 0.00003; TOPMed 0.00001; ExAC 0.00004; ESP Exome Variant Server 0.00008.
gnomAD v4.1: 18 of 1,600,826 alleles (0.0011%); highest among the groups gnomAD compares: East Asian, 0.0045%; no homozygotes.

Submissions (4):

Ambry Genetics
Classification: Uncertain significance for Familial thoracic aortic aneurysm and aortic dissection. Last evaluated: 2025-08-28. Review status: criteria provided, single submitter. Criteria: Ambry Variant Classification Scheme 2023. Collection method: clinical testing. Allele origin: germline.

Labcorp Genetics (formerly Invitae), Labcorp
Classification: Benign for Adams-Oliver syndrome 5. Last evaluated: 2025-08-10. Review status: criteria provided, single submitter. Criteria: Invitae Variant Classification Sherloc (09022015). Collection method: clinical testing. Allele origin: germline.

GeneDx
Classification: Uncertain significance. Last evaluated: 2022-11-08. Review status: criteria provided, single submitter. Criteria: GeneDx Variant Classification Process June 2021. Collection method: clinical testing. Allele origin: germline. Affected: yes.
Comment: Not observed at significant frequency in large population cohorts (gnomAD); In silico analysis supports that this missense variant does not alter protein structure/function; Has not been previously published as pathogenic or benign to our knowledge

Breakthrough Genomics
Classification: Uncertain significance. Review status: criteria provided, single submitter. Criteria: ACMG Guidelines, 2015. Collection method: not provided. Allele origin: germline. Inheritance: Autosomal dominant inheritance. Affected: yes.

NM_017617.5(NOTCH1):c.1214C>T (p.Thr405Met)

Gene: NOTCH1 (notch receptor 1; minus strand). Cytogenetic location: 9q34.3.
Variant type: single nucleotide variant.
Coding change: c.1214C>T on transcript NM_017617.5 (MANE Select); coding-DNA position 1214, C replaced by T.
Protein change: p.Thr405Met; replaces threonine 405 with methionine.
Molecular consequence: missense variant.
Genome position (GRCh38, 1-based): chr9:136,518,178, G>A on the plus strand (C>T on the coding strand, the complement: NOTCH1 is on the minus strand). VCF-style: chr9-136518178-G-A. GRCh37 (hg19) VCF-style: chr9-139412630-G-A.
Other names: short protein forms T405M.
Identifiers: ClinVar variation 1426660 (VCV001426660.11), dbSNP rs370746889, ClinGen allele CA5341885.